The following is an entry in ClinVar:

ClinVar aggregate classification (germline): Likely benign (1 of 4 stars; one submission).

Submission:

CeGaT Center for Human Genetics Tuebingen
Classification: Likely benign. Last evaluated: 2024-06-01. Review status: criteria provided, single submitter. Criteria: CeGaT Center For Human Genetics Tuebingen Variant Classification Criteria Version 2. Collection method: clinical testing. Allele origin: germline. Affected: yes. Observed: 1 variant allele.
Comment: TPM3: PM2:Supporting, BP4, BP7

NM_152263.4(TPM3):c.810C>T (p.Ala270=)

Gene: TPM3 (tropomyosin 3; minus strand). Cytogenetic location: 1q21.3.
Variant type: single nucleotide variant.
Coding change: c.810C>T on transcript NM_152263.4 (MANE Select); coding-DNA position 810, C replaced by T.
Protein change: p.Ala270=; no amino-acid change (alanine 270 retained).
Molecular consequence: synonymous variant. On other transcripts: intron variant (10).
Genome position (GRCh38, 1-based): chr1:154,169,349, G>A on the plus strand (C>T on the coding strand, the complement: TPM3 is on the minus strand). VCF-style: chr1-154169349-G-A. GRCh37 (hg19) VCF-style: chr1-154141825-G-A.
Other names: c.699C>T, p.Ala233= (NM_001278189.2, NM_001349679.2, NM_001364683.1); c.810C>T, p.Ala270= (NM_001364682.1); c.775+1051C>T (NM_001364679.2, NM_001364681.2, NM_001364680.2); c.466+1051C>T (NM_001278188.2); c.664+1051C>T (NM_001043351.2, NM_001043353.2, NM_153649.4 and 1 more transcripts); c.601+1051C>T (NM_001278190.2); c.394+1051C>T (NM_001278191.2).
Identifiers: ClinVar variation 3251079 (VCV003251079.18), dbSNP rs2525982930.